The following is an entry in ClinVar:

NM_020944.3(GBA2):c.145G>T (p.Glu49Ter)

Gene: GBA2 (glucosylceramidase beta 2; minus strand). Cytogenetic location: 9p13.3.
Variant type: single nucleotide variant.
Coding change: c.145G>T on transcript NM_020944.3 (MANE Select); coding-DNA position 145, G replaced by T.
Protein change: p.Glu49Ter; replaces glutamic acid 49 with a stop codon.
Molecular consequence: nonsense.
Genome position (GRCh38, 1-based): chr9:35,748,560, C>A on the plus strand (G>T on the coding strand, the complement: GBA2 is on the minus strand). VCF-style: chr9-35748560-C-A. GRCh37 (hg19) VCF-style: chr9-35748557-C-A.
Other names: c.145G>T, p.Glu49Ter (NM_001330660.2); short protein forms E49*.
Identifiers: ClinVar variation 964742 (VCV000964742.1), dbSNP rs746551074, ClinGen allele CA373420779.

ClinVar aggregate classification (germline): Pathogenic (1 of 4 stars; one submission).

Conditions:
Spastic paraplegia. Identifiers: MedGen C0037772, HP:0001258.

Submission:

Labcorp Genetics (formerly Invitae), Labcorp
Classification: Pathogenic for Spastic paraplegia. Last evaluated: 2019-11-12. Review status: criteria provided, single submitter. Criteria: Invitae Variant Classification Sherloc (09022015). Collection method: clinical testing. Allele origin: germline.
Comment: This sequence change creates a premature translational stop signal (p.Glu49*) in the GBA2 gene. It is expected to result in an absent or disrupted protein product. This variant is not present in population databases (ExAC no frequency). This variant has not been reported in the literature in individuals with GBA2-related conditions. Loss-of-function variants in GBA2 are known to be pathogenic (PMID: 23332916, 23332917). For these reasons, this variant has been classified as Pathogenic.